The following is an entry in ClinVar:

ClinVar aggregate classification (germline): Uncertain significance (1 of 4 stars; one submission).

Conditions:
Cardiovascular phenotype. Identifiers: MedGen CN230736.

Submission:

Ambry Genetics
Classification: Uncertain significance for Cardiovascular phenotype. Last evaluated: 2026-09-13. Review status: criteria provided, single submitter. Criteria: Ambry Variant Classification Scheme 2023. Collection method: clinical testing. Allele origin: germline.
Comment: The p.I17V variant (also known as c.49A>G), located in coding exon 1 of the KCND3 gene, results from an A to G substitution at nucleotide position 49. The isoleucine at codon 17 is replaced by valine, an amino acid with highly similar properties. This amino acid position is conserved. In addition, the in silico prediction for this alteration is inconclusive. Based on the available evidence, the clinical significance of this variant remains unclear.

NM_001378969.1(KCND3):c.49A>G (p.Ile17Val)

Gene: KCND3 (potassium voltage-gated channel subfamily D member 3; minus strand). Cytogenetic location: 1p13.2.
Variant type: single nucleotide variant.
Coding change: c.49A>G on transcript NM_001378969.1 (MANE Select); coding-DNA position 49, A replaced by G.
Protein change: p.Ile17Val; replaces isoleucine 17 with valine.
Molecular consequence: missense variant.
Genome position (GRCh38, 1-based): chr1:111,982,678, T>C on the plus strand (A>G on the coding strand, the complement: KCND3 is on the minus strand). VCF-style: chr1-111982678-T-C. GRCh37 (hg19) VCF-style: chr1-112525300-T-C.
Other names: c.49A>G, p.Ile17Val (NM_001378970.1, NM_004980.5, NM_172198.3); short protein forms I17V.
Identifiers: ClinVar variation 5022957 (VCV005022957.1).